The following is an entry in ClinVar:

ClinVar aggregate classification (germline): Conflicting classifications of pathogenicity. Review status: criteria provided, conflicting classifications (1 of 4 stars). 8 submissions from 8 submitters: Uncertain significance (6); Likely benign (1). 1 of the submissions does not count toward it. Last evaluated 2026-01-08.

Conditions:
GATA4-related disorder. Also called: GATA4-related condition. Identifiers: MedGen CN860321.
Cardiovascular phenotype. Identifiers: MedGen CN230736.
Testicular anomalies with or without congenital heart disease (TACHD). Identifiers: Orphanet 251510, MedGen C3809858, MONDO:0014239, OMIM 615542.
Atrioventricular septal defect 4 (AVSD4). Identifiers: MedGen C3280781, MONDO:0013747, OMIM 614430.
Tetralogy of Fallot (TOF). Identifiers: Orphanet 3303, MedGen C0039685, MONDO:0008542, OMIM 187500, HP:0001636.

Submissions (8):

Labcorp Genetics (formerly Invitae), Labcorp
Classification: Uncertain significance for Atrioventricular septal defect 4. Last evaluated: 2026-01-08. Review status: criteria provided, single submitter. Criteria: Invitae Variant Classification Sherloc (09022015). Collection method: clinical testing. Allele origin: germline.
Comment: This variant, c.366_368dup, results in the insertion of 1 amino acid(s) of the GATA4 protein (p.Ala126dup), but otherwise preserves the integrity of the reading frame. This variant is not present in population databases (gnomAD no frequency). This variant has been observed in individual(s) with tetralogy of fallot (PMID: 18672102). ClinVar contains an entry for this variant (Variation ID: 30104). Experimental studies and prediction algorithms are not available or were not evaluated, and the functional significance of this variant is currently unknown. In summary, the available evidence is currently insufficient to determine the role of this variant in disease. Therefore, it has been classified as a Variant of Uncertain Significance.

PreventionGenetics, part of Exact Sciences
Classification: Uncertain significance for GATA4-related condition. Last evaluated: 2025-12-19. Review status: criteria provided, single submitter. Criteria: ACMG Guidelines, 2015. Collection method: clinical testing. Allele origin: germline.
Comment: The GATA4 c.366_368dupCGC variant is predicted to result in an in-frame duplication (p.Ala126dup). This variant has been reported in an individual with tetralogy of Fallot (Zhang et al. 2008. PubMed ID: 18672102). However, it was also identified in several individuals which were not affected with GATA4-related disorders. This variant has not been reported in a large population database (gnomAD), indicating this variant is rare. At this time, the clinical significance of this variant is uncertain due to the absence of conclusive functional and genetic evidence.

ARUP Laboratories, Molecular Genetics and Genomics, ARUP Laboratories
Classification: Uncertain significance. Last evaluated: 2025-02-19. Review status: criteria provided, single submitter. Criteria: ARUP Molecular Germline Variant Investigation Process 2024. Collection method: clinical testing. Allele origin: germline.
Comment: The GATA4 c.366_368dup; p.Ala126dup variant (rs1182566703, ClinVar Variation ID 30104) is reported in the literature in one individual affected with tetralogy of Fallot but was also detected in at least one healthy control (Zhang 2008). This variant is absent from the Genome Aggregation Database (v2.1.1), indicating it is not a common polymorphism. This variant duplicates a single alanine residue in a repetitive region leaving the rest of the protein in-frame. Due to limited and conflicting information, the clinical significance of this variant is uncertain at this time. References: Zhang W et al. GATA4 mutations in 486 Chinese patients with congenital heart disease. Eur J Med Genet. 2008 Nov-Dec;51(6):527-35. PMID: 18672102.

Blueprint Genetics
Classification: Uncertain significance. Last evaluated: 2024-07-17. Review status: criteria provided, single submitter. Criteria: ACMG Guidelines, 2015. Collection method: clinical testing. Allele origin: germline.

Baylor Genetics
Classification: Uncertain significance for Testicular anomalies with or without congenital heart disease. Last evaluated: 2023-04-23. Review status: criteria provided, single submitter. Criteria: ACMG Guidelines, 2015. Collection method: clinical testing. Allele origin: unknown.

GeneDx
Classification: Likely benign. Last evaluated: 2019-11-04. Review status: criteria provided, single submitter. Criteria: GeneDx Variant Classification Process June 2021. Collection method: clinical testing. Allele origin: germline. Affected: yes.
Comment: See Variant Classification Assertion Criteria.

Ambry Genetics
Classification: Uncertain significance for Cardiovascular phenotype. Last evaluated: 2018-06-20. Review status: criteria provided, single submitter. Criteria: Ambry Variant Classification Scheme 2023. Collection method: clinical testing. Allele origin: germline.
Comment: The c.366_368dupCGC variant (also known as p.A126dup), located in coding exon 1 of the GATA4 gene, results from an in-frame duplication of CGC at nucleotide positions 366 to 368. This results in the duplication of an extra alanine residue between codons 126 and 127. This variant (reported as 118-119insA) has been detected in a congenital heart defect cohort, but also in controls (Zhang W et al. Eur J Med Genet Jul;51:527-35). Since supporting evidence is limited at this time, the clinical significance of this alteration remains unclear.

OMIM
Classification: Pathogenic for TETRALOGY OF FALLOT. Last evaluated: 2008-11-01. Review status: no assertion criteria provided. Collection method: literature only. Allele origin: germline. Not counted in ClinVar's aggregate classification.

Literature cited by the submitters: PubMed 18672102 (cited by 3 submitters).

NM_001308093.3(GATA4):c.357CGC[5] (p.Ala126dup)

Gene: GATA4 (GATA binding protein 4). Cytogenetic location: 8p23.1.
Variant type: Microsatellite.
Coding change: c.357CGC[5] on transcript NM_001308093.3 (MANE Select); five copies in a row of the 3-base unit CGC starting at c.357.
Protein change: p.Ala126dup; duplicates alanine 126.
Molecular consequence: inframe insertion. On other transcripts: intron variant (3).
Genome position: GRCh38 VCF-style: chr8-11708666-G-GGCC. GRCh37 (hg19) VCF-style: chr8-11566175-G-GGCC.
Other names: c.366_368dup (NM_001308093.1, NM_002052.5); c.366_368dupCGC (NM_002052.3, NM_002052.4); c.357CGC[5], p.Ala126dup (NM_002052.5); c.-6+7889GCC[5] (NM_001308094.2); c.-3+653GCC[5] (NM_001374274.1); c.-3+4363GCC[5] (NM_001374273.1).
Identifiers: ClinVar variation 30104 (VCV000030104.17), dbSNP rs1182566703, ClinGen allele CA913184948.